The following is an entry in ClinVar:

ClinVar aggregate classification (germline): Uncertain significance (1 of 4 stars; one submission).

Allele frequency attached by ClinVar (database versions not stated): gnomAD exomes below 0.00001.
gnomAD v4.1: 2 of 1,614,216 alleles (0.00012%); highest among the groups gnomAD compares: Non-Finnish European, 0.00017%; no homozygotes.

Submission:

GeneDx
Classification: Uncertain significance. Last evaluated: 2022-03-15. Review status: criteria provided, single submitter. Criteria: GeneDx Variant Classification Process June 2021. Collection method: clinical testing. Allele origin: germline. Affected: yes.
Comment: In silico analysis supports that this missense variant has a deleterious effect on protein structure/function; Has not been previously published as pathogenic or benign to our knowledge

NM_002715.4(PPP2CA):c.695A>G (p.Asn232Ser)

Gene: PPP2CA (protein phosphatase 2 catalytic subunit alpha; minus strand). Cytogenetic location: 5q31.1.
Variant type: single nucleotide variant.
Coding change: c.695A>G on transcript NM_002715.4 (MANE Select); coding-DNA position 695, A replaced by G.
Protein change: p.Asn232Ser; replaces asparagine 232 with serine.
Molecular consequence: missense variant. On other transcripts: non-coding transcript variant (1).
Genome position (GRCh38, 1-based): chr5:134,200,378, T>C on the plus strand (A>G on the coding strand, the complement: PPP2CA is on the minus strand). VCF-style: chr5-134200378-T-C. GRCh37 (hg19) VCF-style: chr5-133536069-T-C.
Other names: c.500A>G, p.Asn167Ser (NM_001355019.2); short protein forms N167S, N232S.
Identifiers: ClinVar variation 1706189 (VCV001706189.2), dbSNP rs1371502482, ClinGen allele CA360998903.
Genomic context (GRCh38, chr5:134,200,378, plus strand): 5'-CAGAGAACACAGCATACCTCCATCACTAGCTGGTGAGCTCTAGACACCAACGTGAGGCCA[T>C]TGGCATGATTAAATGTCTCAGAAATATCTTGCCCAAAGGTGTAACCAGCTCCTCGAGGAG-3'
Protein context (NP_002706.1, residues 222-242): QDISETFNHA[Asn232Ser]GLTLVSRAHQ